The following is an entry in ClinVar:

NM_170606.3(KMT2C):c.3324-19A>C

Gene: KMT2C (lysine methyltransferase 2C; minus strand). Cytogenetic location: 7q36.1.
Variant type: single nucleotide variant.
Coding change: c.3324-19A>C on transcript NM_170606.3 (MANE Select); 19 bases into the intron before coding-DNA position 3324, A replaced by C.
Molecular consequence: intron variant.
Genome position (GRCh38, 1-based): chr7:152,222,701, T>G on the plus strand (A>C on the coding strand, the complement: KMT2C is on the minus strand). VCF-style: chr7-152222701-T-G. GRCh37 (hg19) VCF-style: chr7-151919786-T-G.
Identifiers: ClinVar variation 2682470 (VCV002682470.1), dbSNP rs762040193, ClinGen allele CA4580857.
Genomic context (GRCh38, chr7:152,222,701, plus strand): 5'-TCTTCCTCAGTATTTAAGTTCTGACAAACTGCATGCATCCATCTAAAAAGACCATATTTG[T>G]ACATTTTTTTTAAAAAATGGAATATACTGAGAACTGCTACCTTTTAAAACCTGTAACACT-3'

ClinVar aggregate classification (germline): Likely benign (1 of 4 stars; one submission).

Allele frequency attached by ClinVar (database versions not stated): ExAC 0.00001; gnomAD 0.00001; gnomAD exomes 0.00001; TOPMed 0.00001.
gnomAD v4.1: 20 of 1,433,276 alleles (0.0014%); highest among the groups gnomAD compares: Admixed American, 0.0017%; no homozygotes.

Submission:

Women's Health and Genetics/Laboratory Corporation of America, LabCorp
Classification: Likely benign. Last evaluated: 2023-11-10. Review status: criteria provided, single submitter. Criteria: LabCorp Variant Classification Summary - May 2015. Collection method: clinical testing. Allele origin: germline.
Comment: Variant summary: KMT2C c.3324-19A>C alters a non-conserved nucleotide located at a position not widely known to affect splicing. Consensus agreement among computation tools predict no significant impact on normal splicing. However, these predictions have yet to be confirmed by functional studies. The variant allele was found at a frequency of 1.4e-05 in 217630 control chromosomes. The available data on variant occurrences in the general population are insufficient to allow any conclusion about variant significance. To our knowledge, no occurrence of c.3324-19A>C in individuals affected with Kleefstra Syndrome 2 and no experimental evidence demonstrating its impact on protein function have been reported. No submitters have cited clinical-significance assessments for this variant to ClinVar after 2014. Based on the evidence outlined above, the variant was classified as likely benign.